The following is an entry in ClinVar:

ClinVar aggregate classification (germline): Likely benign. Review status: criteria provided, multiple submitters, no conflicts (2 of 4 stars). 2 submissions from 2 submitters: Likely benign (2). Last evaluated 2025-10-07.

Conditions:
CC2D2A-related disorder. Also called: CC2D2A-related condition; CC2D2A-related disorders. Identifiers: MedGen CN239313.
Joubert syndrome. Also called: JOUBERT-BOLTSHAUSER SYNDROME; Familial aplasia of the vermis. Identifiers: Orphanet 475, MedGen C5979921, MONDO:0018772.
Meckel-Gruber syndrome. Also called: DYSENCEPHALIA SPLANCHNOCYSTICA; GRUBER SYNDROME; Dysencephalia splachnocystica. Identifiers: Orphanet 564, MedGen C0265215, MONDO:0018921.

Allele frequency attached by ClinVar (database versions not stated): gnomAD 0.00001; TOPMed 0.00001; gnomAD exomes 0.00002; ExAC 0.00003.
gnomAD v4.1: 24 of 1,573,692 alleles (0.0015%); highest among the groups gnomAD compares: Non-Finnish European, 0.0021%; no homozygotes.

Submissions (2):

Labcorp Genetics (formerly Invitae), Labcorp
Classification: Likely benign for Joubert syndrome; Meckel-Gruber syndrome. Last evaluated: 2025-10-07. Review status: criteria provided, single submitter. Criteria: Invitae Variant Classification Sherloc (09022015). Collection method: clinical testing. Allele origin: germline.

PreventionGenetics, part of Exact Sciences
Classification: Likely benign for CC2D2A-related condition. Last evaluated: 2024-10-10. Review status: criteria provided, single submitter. Criteria: ACMG Guidelines, 2015. Collection method: clinical testing. Allele origin: germline.
Comment: This variant is classified as likely benign based on ACMG/AMP sequence variant interpretation guidelines (Richards et al. 2015 PMID: 25741868, with internal and published modifications).

NM_001378615.1(CC2D2A):c.3471T>C (p.Asp1157=)

Genes: FBXL5 (F-box and leucine rich repeat protein 5; minus strand), CC2D2A (coiled-coil and C2 domain containing 2A; plus strand). Cytogenetic location: 4p15.32.
Variant type: single nucleotide variant.
Coding change: c.3471T>C on transcript NM_001378615.1 (MANE Select); coding-DNA position 3471, T replaced by C.
Protein change: p.Asp1157=; no amino-acid change (aspartic acid 1157 retained).
Molecular consequence: synonymous variant.
Genome position (GRCh38, 1-based): chr4:15,569,365, T>C. VCF-style: chr4-15569365-T-C. GRCh37 (hg19) VCF-style: chr4-15570988-T-C.
Other names: c.3471T>C, p.Asp1157= (NM_001080522.2); c.3324T>C, p.Asp1108= (NM_001378617.1).
Identifiers: ClinVar variation 2924845 (VCV002924845.4), dbSNP rs770467923, ClinGen allele CA2864174.